The following is an entry in ClinVar:

ClinVar aggregate classification (germline): Uncertain significance (1 of 4 stars; one submission).

Conditions:
Autosomal recessive early-onset Parkinson disease 6 (PARK6). Also called: PINK1-Related Parkinson Disease; PINK1 Type of Young-Onset Parkinson Disease; PARKINSON DISEASE 6, EARLY-ONSET; PARKINSON DISEASE 6, MODIFIER OF. Identifiers: Orphanet 2828, MedGen C1853833, MONDO:0011613, OMIM 605909.

Allele frequency attached by ClinVar (database versions not stated): TOPMed 0.00002; 1000 Genomes Project 30x 0.00016; 1000 Genomes Project 0.00020.
gnomAD v4.1: 13 of 1,613,934 alleles (0.00081%); highest among the groups gnomAD compares: East Asian, 0.022%; no homozygotes.

Submission:

Labcorp Genetics (formerly Invitae), Labcorp
Classification: Uncertain significance for Autosomal recessive early-onset Parkinson disease 6. Last evaluated: 2020-01-23. Review status: criteria provided, single submitter. Criteria: Invitae Variant Classification Sherloc (09022015). Collection method: clinical testing. Allele origin: germline.
Comment: In summary, the available evidence is currently insufficient to determine the role of this variant in disease. Therefore, it has been classified as a Variant of Uncertain Significance. Nucleotide substitutions within the consensus splice site are a relatively common cause of aberrant splicing (PMID: 17576681, 9536098). Algorithms developed to predict the effect of sequence changes on RNA splicing suggest that this variant is not likely to affect RNA splicing, but this prediction has not been confirmed by published transcriptional studies. This variant has not been reported in the literature in individuals with PINK1-related conditions. This variant is present in population databases (rs371971165, ExAC 0.03%). This sequence change falls in intron 1 of the PINK1 gene. It does not directly change the encoded amino acid sequence of the PINK1 protein, but it affects a nucleotide within the consensus splice site of the intron.

Literature cited by the submitters: PubMed 17576681; PubMed 9536098.

NM_032409.3(PINK1):c.388-3C>T

Gene: PINK1 (PTEN induced kinase 1; plus strand). Cytogenetic location: 1p36.12.
Variant type: single nucleotide variant.
Coding change: c.388-3C>T on transcript NM_032409.3 (MANE Select); 3 bases into the intron before coding-DNA position 388, C replaced by T.
Molecular consequence: intron variant.
Genome position (GRCh38, 1-based): chr1:20,637,839, C>T. VCF-style: chr1-20637839-C-T. GRCh37 (hg19) VCF-style: chr1-20964332-C-T.
Identifiers: ClinVar variation 1021120 (VCV001021120.9), dbSNP rs371971165, ClinGen allele CA660411.